The following is an entry in ClinVar:

ClinVar aggregate classification (germline): Conflicting classifications of pathogenicity. Review status: criteria provided, conflicting classifications (1 of 4 stars). 3 submissions from 3 submitters: Uncertain significance (2); Likely benign (1). Last evaluated 2025-10-23.

Conditions:
Hereditary breast ovarian cancer syndrome. Also called: Hereditary breast and ovarian cancer; Breast and ovarian cancer; Hereditary breast and/or ovarian cancer syndrome; Hereditary breast and ovarian cancer syndrome; BRCA1- and BRCA2-Associated Hereditary Breast and Ovarian Cancer; Hereditary breast and ovarian cancer syndrome (HBOC). Identifiers: Orphanet 145, MedGen C0677776, MeSH D061325, MONDO:0003582. Disease mechanism: loss of function.
Hereditary cancer-predisposing syndrome. Also called: Tumor predisposition; Hereditary Cancer Syndrome; Neoplastic Syndromes, Hereditary; Hereditary neoplastic syndrome. Identifiers: Orphanet 140162, MedGen C0027672, MeSH D009386, MONDO:0015356.

Allele frequency attached by ClinVar (database versions not stated): gnomAD exomes below 0.00001.
gnomAD v4.1: 1 of 1,612,262 alleles (0.000062%); highest among the groups gnomAD compares: African/African-American, 0.0013%; no homozygotes.

Submissions (3):

Ambry Genetics
Classification: Uncertain significance for Hereditary cancer-predisposing syndrome. Last evaluated: 2025-10-23. Review status: criteria provided, single submitter. Criteria: Ambry Variant Classification Scheme 2023. Collection method: clinical testing. Allele origin: germline.
Comment: The p.K960N variant (also known as c.2880G>C), located in coding exon 10 of the BRCA2 gene, results from a G to C substitution at nucleotide position 2880. The lysine at codon 960 is replaced by asparagine, an amino acid with similar properties. This amino acid position is not well conserved in available vertebrate species. In addition, this alteration is predicted to be tolerated by in silico analysis. Since supporting evidence is limited at this time, the clinical significance of this alteration remains unclear.

Labcorp Genetics (formerly Invitae), Labcorp
Classification: Uncertain significance for Hereditary breast ovarian cancer syndrome. Last evaluated: 2023-11-28. Review status: criteria provided, single submitter. Criteria: Invitae Variant Classification Sherloc (09022015). Collection method: clinical testing. Allele origin: germline.
Comment: This sequence change replaces lysine, which is basic and polar, with asparagine, which is neutral and polar, at codon 960 of the BRCA2 protein (p.Lys960Asn). This variant is not present in population databases (gnomAD no frequency). This variant has not been reported in the literature in individuals affected with BRCA2-related conditions. ClinVar contains an entry for this variant (Variation ID: 821930). Advanced modeling of protein sequence and biophysical properties (such as structural, functional, and spatial information, amino acid conservation, physicochemical variation, residue mobility, and thermodynamic stability) performed at Invitae indicates that this missense variant is not expected to disrupt BRCA2 protein function with a negative predictive value of 95%. In summary, the available evidence is currently insufficient to determine the role of this variant in disease. Therefore, it has been classified as a Variant of Uncertain Significance.

University of Washington Department of Laboratory Medicine, University of Washington
Classification: Likely benign for Hereditary cancer-predisposing syndrome. Last evaluated: 2023-03-23. Review status: criteria provided, single submitter. Criteria: Dines et al. (Genet Med. 2020). Collection method: curation. Allele origin: germline.
Comment: Missense variant in a coldspot region where missense variants are very unlikely to be pathogenic (PMID:31911673).

BRCA2 exon 11 coldspot. Reclassification based on statistical prior probability.

NM_000059.4(BRCA2):c.2880G>C (p.Lys960Asn)

Gene: BRCA2 (BRCA2 DNA repair associated; plus strand). Cytogenetic location: 13q13.1.
Variant type: single nucleotide variant.
Coding change: c.2880G>C on transcript NM_000059.4 (MANE Select); coding-DNA position 2880, G replaced by C.
Protein change: p.Lys960Asn; replaces lysine 960 with asparagine.
Molecular consequence: missense variant.
Genome position (GRCh38, 1-based): chr13:32,337,235, G>C. VCF-style: chr13-32337235-G-C. GRCh37 (hg19) VCF-style: chr13-32911372-G-C.
Other names: short protein forms K960N.
Identifiers: ClinVar variation 821930 (VCV000821930.16), dbSNP rs55891436, ClinGen allele CA247503235.